The following is an entry in ClinVar:

NM_004006.3(DMD):c.7822G>T (p.Glu2608Ter)

Gene: DMD (dystrophin; minus strand). Cytogenetic location: Xp21.1.
Variant type: single nucleotide variant.
Coding change: c.7822G>T on transcript NM_004006.3 (MANE Select); coding-DNA position 7822, G replaced by T.
Protein change: p.Glu2608Ter; replaces glutamic acid 2608 with a stop codon.
Molecular consequence: nonsense.
Genome position (GRCh38, 1-based): chrX:31,679,425, C>A on the plus strand (G>T on the coding strand, the complement: DMD is on the minus strand). VCF-style: chrX-31679425-C-A. GRCh37 (hg19) VCF-style: chrX-31697542-C-A.
Other names: c.7798G>T, p.Glu2600Ter (NM_000109.4); c.7810G>T, p.Glu2604Ter (NM_004009.3); c.7453G>T, p.Glu2485Ter (NM_004010.3); c.3799G>T, p.Glu1267Ter (NM_004011.4); c.3790G>T, p.Glu1264Ter (NM_004012.4); c.442G>T, p.Glu148Ter (NM_004013.3, NM_004020.4, NM_004021.3 and 2 more transcripts); short protein forms E1264*, E1267*, E148*, E2485*, E2600*, E2604*, E2608*.
Identifiers: ClinVar variation 1071903 (VCV001071903.10), dbSNP rs2148732716, ClinGen allele CA412656657.

ClinVar aggregate classification (germline): Pathogenic (1 of 4 stars; one submission).

Conditions:
Duchenne muscular dystrophy (DMD). Also called: MUSCULAR DYSTROPHY, PSEUDOHYPERTROPHIC PROGRESSIVE, DUCHENNE TYPE; Duchenne Muscular Dystrophy (DMD). Identifiers: Orphanet 98896, MedGen C0013264, MONDO:0010679, OMIM 310200.

Submission:

Labcorp Genetics (formerly Invitae), Labcorp
Classification: Pathogenic for Duchenne muscular dystrophy. Last evaluated: 2022-08-23. Review status: criteria provided, single submitter. Criteria: Invitae Variant Classification Sherloc (09022015). Collection method: clinical testing. Allele origin: germline.
Comment: This sequence change creates a premature translational stop signal (p.Glu2608*) in the DMD gene. It is expected to result in an absent or disrupted protein product. Loss-of-function variants in DMD are known to be pathogenic (PMID: 16770791, 25007885). This variant is not present in population databases (gnomAD no frequency). This premature translational stop signal has been observed in individual(s) with Duchenne muscular dystrophy (PMID: 19937601). ClinVar contains an entry for this variant (Variation ID: 1071903). Algorithms developed to predict the effect of sequence changes on RNA splicing suggest that this variant may create or strengthen a splice site. For these reasons, this variant has been classified as Pathogenic.

Literature cited by the submitters: PubMed 16770791; PubMed 25007885; PubMed 19937601.